The following is an entry in ClinVar:

ClinVar aggregate classification (germline): Likely benign. Review status: criteria provided, single submitter (1 of 4 stars). 2 submissions from 2 submitters: Likely benign (1). 1 of the submissions does not count toward it. Last evaluated 2023-09-27.

Conditions:
VPS13B-related disorder. Also called: VPS13B-related condition.
Cohen syndrome (COH1). Also called: PEPPER SYNDROME; Cutis verticis gyrata, retinitis pigmentosa, and sensorineural deafness. Identifiers: Orphanet 193, MedGen C0265223, MONDO:0008999, OMIM 216550.

Allele frequency attached by ClinVar (database versions not stated): gnomAD exomes below 0.00001; TOPMed below 0.00001.
gnomAD v4.1: 3 of 1,613,630 alleles (0.00019%); highest among the groups gnomAD compares: Non-Finnish European, 0.00025%; no homozygotes.

Submissions (2):

Labcorp Genetics (formerly Invitae), Labcorp
Classification: Likely benign for Cohen syndrome. Last evaluated: 2023-09-27. Review status: criteria provided, single submitter. Criteria: Invitae Variant Classification Sherloc (09022015). Collection method: clinical testing. Allele origin: germline.

PreventionGenetics, part of Exact Sciences
Classification: Likely benign for VPS13B-related condition. Last evaluated: 2024-02-22. Review status: no assertion criteria provided. Collection method: clinical testing. Allele origin: germline. Not counted in ClinVar's aggregate classification.
Comment: This variant is classified as likely benign based on ACMG/AMP sequence variant interpretation guidelines (Richards et al. 2015 PMID: 25741868, with internal and published modifications).

NM_152564.5(VPS13B):c.855C>T (p.Tyr285=)

Gene: VPS13B (vacuolar protein sorting 13 homolog B; plus strand). Cytogenetic location: 8q22.2.
Variant type: single nucleotide variant.
Coding change: c.855C>T on transcript NM_152564.5 (MANE Select); coding-DNA position 855, C replaced by T.
Protein change: p.Tyr285=; no amino-acid change (tyrosine 285 retained).
Molecular consequence: synonymous variant. On other transcripts: non-coding transcript variant (1).
Genome position (GRCh38, 1-based): chr8:99,115,792, C>T. VCF-style: chr8-99115792-C-T. GRCh37 (hg19) VCF-style: chr8-100128020-C-T.
Other names: c.855C>T, p.Tyr285= (NM_015243.3, NM_017890.5, NM_181661.3); c.855C>T (NM_152564.4).
Identifiers: ClinVar variation 1077923 (VCV001077923.8), dbSNP rs1256482530, ClinGen allele CA462421692.
Genomic context (GRCh38, chr8:99,115,792, plus strand): 5'-TATCACAGATCAACAACTGCCTATGTTTATTCGTATAATGCAACTTGGAATTGCTCTTTA[C>T]TATGGAGAAATAGGCAATTTTAAAGAAGGCGAAATAGAGGACCTTACTTGTCATAATAAA-3'
Protein context (NP_689777.3, residues 275-295): IRIMQLGIAL[Tyr285=]YGEIGNFKEG